The following is an entry in ClinVar:

NM_003356.4(UCP3):c.57G>C (p.Gly19=)

Gene: UCP3 (uncoupling protein 3; minus strand). Cytogenetic location: 11q13.4.
Variant type: single nucleotide variant.
Coding change: c.57G>C on transcript NM_003356.4 (MANE Select); coding-DNA position 57, G replaced by C.
Protein change: p.Gly19=; no amino-acid change (glycine 19 retained).
Molecular consequence: synonymous variant.
Genome position (GRCh38, 1-based): chr11:74,006,986, C>G on the plus strand (G>C on the coding strand, the complement: UCP3 is on the minus strand). VCF-style: chr11-74006986-C-G. GRCh37 (hg19) VCF-style: chr11-73718031-C-G.
Other names: c.57G>C, p.Gly19= (NM_022803.3).
Identifiers: ClinVar variation 4993108 (VCV004993108.1).

ClinVar aggregate classification (germline): Likely benign (1 of 4 stars; one submission).

Conditions:
UCP3-related disorder. Also called: UCP3-related condition.

gnomAD v4.1: 1 of 1,614,086 alleles (0.000062%); highest among the groups gnomAD compares: African/African-American, 0.0013%; no homozygotes.

Submission:

PreventionGenetics, part of Exact Sciences
Classification: Likely benign for UCP3-related condition. Last evaluated: 2026-08-27. Review status: criteria provided, single submitter. Criteria: ACMG Guidelines, 2015. Collection method: clinical testing. Allele origin: germline.
Comment: This variant is classified as likely benign based on ACMG/AMP sequence variant interpretation guidelines (Richards et al. 2015 PMID: 25741868, with internal and published modifications).